The following is an entry in ClinVar:

NM_000038.6(APC):c.2848C>T (p.Pro950Ser)

Gene: APC (APC regulator of Wnt signaling pathway; plus strand). Cytogenetic location: 5q22.2.
Variant type: single nucleotide variant.
Coding change: c.2848C>T on transcript NM_000038.6 (MANE Select); coding-DNA position 2848, C replaced by T.
Protein change: p.Pro950Ser; replaces proline 950 with serine.
Molecular consequence: missense variant.
Genome position (GRCh38, 1-based): chr5:112,838,442, C>T. VCF-style: chr5-112838442-C-T. GRCh37 (hg19) VCF-style: chr5-112174139-C-T.
Other names: c.2848C>T, p.Pro950Ser (NM_001127510.3, NM_001354895.2); c.2794C>T, p.Pro932Ser (NM_001127511.3); c.2902C>T, p.Pro968Ser (NM_001354896.2); c.2878C>T, p.Pro960Ser (NM_001354897.2); c.2773C>T, p.Pro925Ser (NM_001354898.2); c.2764C>T, p.Pro922Ser (NM_001354899.2); c.2725C>T, p.Pro909Ser (NM_001354900.2); c.2671C>T, p.Pro891Ser (NM_001354901.2); and 5 more; short protein forms P932S, P950S, P891S, P922S, P960S, P925S, P968S, P667S.
Identifiers: ClinVar variation 428140 (VCV000428140.24), dbSNP rs1114167581, ClinGen allele CA16027544.
Genomic context (GRCh38, chr5:112,838,442, plus strand): 5'-ACACATTCAAACACTTACAATTTCACTAAGTCGGAAAATTCAAATAGGACATGTTCTATG[C>T]CTTATGCCAAATTAGAATACAAGAGATCTTCAAATGATAGTTTAAATAGTGTCAGTAGTA-3'
Protein context (NP_000029.2, residues 940-960): SENSNRTCSM[Pro950Ser]YAKLEYKRSS

ClinVar aggregate classification (germline): Uncertain significance. Review status: criteria provided, multiple submitters, no conflicts (2 of 4 stars). 5 submissions from 5 submitters: Uncertain significance (5). Last evaluated 2026-01-05.

Conditions:
Hereditary cancer-predisposing syndrome. Also called: Tumor predisposition; Hereditary Cancer Syndrome; Hereditary neoplastic syndrome; Neoplastic Syndromes, Hereditary. Identifiers: Orphanet 140162, MedGen C0027672, MeSH D009386, MONDO:0015356.
Familial adenomatous polyposis 1 (FAP1). Also called: FAMILIAL ADENOMATOUS POLYPOSIS 1, ATTENUATED; POLYPOSIS, ADENOMATOUS INTESTINAL. Identifiers: MedGen C2713442, MONDO:0021056, OMIM 175100. Disease mechanism: loss of function.

Submissions (5):

Labcorp Genetics (formerly Invitae), Labcorp
Classification: Uncertain significance for Familial adenomatous polyposis 1. Last evaluated: 2026-01-05. Review status: criteria provided, single submitter. Criteria: Invitae Variant Classification Sherloc (09022015). Collection method: clinical testing. Allele origin: germline.
Comment: This sequence change replaces proline, which is neutral and non-polar, with serine, which is neutral and polar, at codon 950 of the APC protein (p.Pro950Ser). This variant is not present in population databases (gnomAD no frequency). This variant has not been reported in the literature in individuals affected with APC-related conditions. ClinVar contains an entry for this variant (Variation ID: 428140). Invitae Evidence Modeling of protein sequence and biophysical properties (such as structural, functional, and spatial information, amino acid conservation, physicochemical variation, residue mobility, and thermodynamic stability) indicates that this missense variant is not expected to disrupt APC protein function with a negative predictive value of 95%. In summary, the available evidence is currently insufficient to determine the role of this variant in disease. Therefore, it has been classified as a Variant of Uncertain Significance.

Ambry Genetics
Classification: Uncertain significance for Hereditary cancer-predisposing syndrome. Last evaluated: 2025-01-28. Review status: criteria provided, single submitter. Criteria: Ambry Variant Classification Scheme 2023. Collection method: clinical testing. Allele origin: germline.
Comment: The p.P950S variant (also known as c.2848C>T), located in coding exon 15 of the APC gene, results from a C to T substitution at nucleotide position 2848. The proline at codon 950 is replaced by serine, an amino acid with similar properties. This variant was reported in individual(s) with features consistent with APC-related familial adenomatous polyposis (Ambry internal data). This amino acid position is highly conserved in available vertebrate species. In addition, in silico predictors for this gene do not accurately predict pathogenicity. Missense alterations in APC are not a common cause of disease (Spier I et al. Genet Med. 2024 Feb;26(2):100992). Based on the available evidence, the clinical significance of this variant remains unclear.

Blueprint Genetics
Classification: Uncertain significance. Last evaluated: 2024-09-25. Review status: criteria provided, single submitter. Criteria: ACMG Guidelines, 2015. Collection method: clinical testing. Allele origin: germline.

Baylor Genetics
Classification: Uncertain significance for Familial adenomatous polyposis 1. Last evaluated: 2023-12-21. Review status: criteria provided, single submitter. Criteria: ACMG Guidelines, 2015. Collection method: clinical testing. Allele origin: unknown.

Color Diagnostics, LLC DBA Color Health
Classification: Uncertain significance for Hereditary cancer-predisposing syndrome. Last evaluated: 2023-12-04. Review status: criteria provided, single submitter. Criteria: ACMG Guidelines, 2015. Collection method: clinical testing. Allele origin: germline.
Comment: This missense variant replaces proline with serine at codon 950 of the APC protein. Computational prediction tools and conservation analyses are inconclusive regarding the impact of this variant on protein structure and function. Splice site prediction tools suggest that this variant may not impact RNA splicing. To our knowledge, functional studies have not been performed for this variant. This variant has not been reported in individuals affected with hereditary cancer in the literature. This variant has not been identified in the general population by the Genome Aggregation Database (gnomAD). The available evidence is insufficient to determine the role of this variant in disease conclusively. Therefore, this variant is classified as a Variant of Uncertain Significance.